The following is an entry in ClinVar:

NM_000493.4(COL10A1):c.*1042A>G

Genes: COL10A1 (collagen type X alpha 1 chain; minus strand), NT5DC1 (5'-nucleotidase domain containing 1; plus strand). Cytogenetic location: 6q22.1.
Variant type: single nucleotide variant.
Coding change: c.*1042A>G on transcript NM_000493.4 (MANE Select); 1042 bases downstream of the stop codon, A replaced by G.
Molecular consequence: 3 prime UTR variant. On other transcripts: intron variant (1).
Genome position (GRCh38, 1-based): chr6:116,119,031, T>C on the plus strand (A>G on the coding strand, the complement: COL10A1 is on the minus strand). VCF-style: chr6-116119031-T-C. GRCh37 (hg19) VCF-style: chr6-116440194-T-C.
Other names: c.*1042A>G (NM_001424106.1, NM_001424107.1); c.529+1086T>C (NM_152729.3).
Identifiers: ClinVar variation 355068 (VCV000355068.5), dbSNP rs150549737, ClinGen allele CA10622811.
Genomic context (GRCh38, chr6:116,119,031, plus strand): 5'-GAAAGAATGGTTGAGAACAGCAAATTGCTGCTTTCAAATTAATTCAGCCTAAAAATCTAT[T>C]GATGTTATTTTATTGCGTCGTAAATAAGGAGTAGGTAAAACATTTTGTGCTTTAATAAGT-3'

ClinVar aggregate classification (germline): Benign (1 of 4 stars; one submission).

Conditions:
Metaphyseal chondrodysplasia, Schmid type (MCDS). Also called: SPONDYLOMETAPHYSEAL DYSPLASIA, JAPANESE TYPE. Identifiers: Orphanet 174, MedGen C0265289, MONDO:0007983, OMIM 156500.

Allele frequency attached by ClinVar (database versions not stated): gnomAD 0.00297 and 0.00319; TOPMed 0.00345; 1000 Genomes Project 0.00419; 1000 Genomes Project 30x 0.00437.

Submission:

Illumina Laboratory Services, Illumina
Classification: Benign for Metaphyseal chondrodysplasia, Schmid type. Last evaluated: 2018-01-13. Review status: criteria provided, single submitter. Criteria: ICSL Variant Classification Criteria 13 December 2019. Collection method: clinical testing. Allele origin: germline.
Comment: This variant was observed in the ICSL laboratory as part of a predisposition screen in an ostensibly healthy population. It had not been previously curated by ICSL or reported in the Human Gene Mutation Database (HGMD: prior to June 1st, 2018), and was therefore a candidate for classification through an automated scoring system. Utilizing variant allele frequency, disease prevalence and penetrance estimates, and inheritance mode, an automated score was calculated to assess if this variant is too frequent to cause the disease. Based on the score and internal cut-off values, a variant classified as benign is not then subjected to further curation. The score for this variant resulted in a classification of benign for this disease.